The following is an entry in ClinVar:

ClinVar aggregate classification (germline): Benign (1 of 4 stars; one submission).

Allele frequency attached by ClinVar (database versions not stated): 1000 Genomes Project 30x 0.71830; 1000 Genomes Project 0.72983; TOPMed 0.76321; gnomAD 0.77783 and 0.78214.
gnomAD v4.1: 118,806 of 151,672 alleles (78%); highest among the groups gnomAD compares: Non-Finnish European, 92%; 49,315 homozygotes.

Submission:

GeneDx
Classification: Benign. Last evaluated: 2018-06-18. Review status: criteria provided, single submitter. Criteria: GeneDx Variant Classification (06012015). Collection method: clinical testing. Allele origin: germline. Affected: yes.
Comment: This variant is considered likely benign or benign based on one or more of the following criteria: it is a conservative change, it occurs at a poorly conserved position in the protein, it is predicted to be benign by multiple in silico algorithms, and/or has population frequency not consistent with disease.

NM_005633.4(SOS1):c.1858+302G>C

Gene: SOS1 (SOS Ras/Rac guanine nucleotide exchange factor 1; minus strand). Cytogenetic location: 2p22.1.
Variant type: single nucleotide variant.
Coding change: c.1858+302G>C on transcript NM_005633.4 (MANE Select); 302 bases into the intron after coding-DNA position 1858, G replaced by C.
Molecular consequence: intron variant.
Genome position (GRCh38, 1-based): chr2:39,022,268, C>G on the plus strand (G>C on the coding strand, the complement: SOS1 is on the minus strand). VCF-style: chr2-39022268-C-G. GRCh37 (hg19) VCF-style: chr2-39249409-C-G.
Other names: c.1837+302G>C (NM_001382394.1); c.1858+302G>C (NM_001382395.1).
Identifiers: ClinVar variation 561827 (VCV000561827.1), dbSNP rs13033392, ClinGen allele CA15185075.
Genomic context (GRCh38, chr2:39,022,268, plus strand): 5'-TCTCAGAAATGGAAAAAGAAGAAAGAAAAAAAAGATAAAGGAGTAAAAAACTTTTTAGAT[C>G]CCAATAATGATGATTTACTACTAACTTTAGTCTTGTTTCTGTCACTTTCTAACTGGATAA-3'